The following is an entry in ClinVar:

ClinVar aggregate classification (germline): Uncertain significance (1 of 4 stars; one submission).

Allele frequency attached by ClinVar (database versions not stated): gnomAD 0.00001; TOPMed 0.00002; ExAC 0.00003; gnomAD exomes 0.00003.
gnomAD v4.1: 42 of 1,580,166 alleles (0.0027%); highest among the groups gnomAD compares: African/African-American, 0.0054%; no homozygotes.

Submission:

Labcorp Genetics (formerly Invitae), Labcorp
Classification: Uncertain significance. Last evaluated: 2023-04-18. Review status: criteria provided, single submitter. Criteria: Invitae Variant Classification Sherloc (09022015). Collection method: clinical testing. Allele origin: germline.
Comment: In summary, the available evidence is currently insufficient to determine the role of this variant in disease. Therefore, it has been classified as a Variant of Uncertain Significance. An algorithm developed to predict the effect of missense changes on protein structure and function (PolyPhen-2) suggests that this variant is likely to be tolerated. ClinVar contains an entry for this variant (Variation ID: 2138419). This variant has not been reported in the literature in individuals affected with BRD4-related conditions. The frequency data for this variant in the population databases is considered unreliable, as metrics indicate poor data quality at this position in the gnomAD database. This sequence change replaces arginine, which is basic and polar, with cysteine, which is neutral and slightly polar, at codon 1290 of the BRD4 protein (p.Arg1290Cys).

NM_001379291.1(BRD4):c.3868C>T (p.Arg1290Cys)

Gene: BRD4 (bromodomain containing 4; minus strand). Cytogenetic location: 19p13.12.
Variant type: single nucleotide variant.
Coding change: c.3868C>T on transcript NM_001379291.1 (MANE Select); coding-DNA position 3868, C replaced by T.
Protein change: p.Arg1290Cys; replaces arginine 1290 with cysteine.
Molecular consequence: missense variant.
Genome position (GRCh38, 1-based): chr19:15,238,895, G>A on the plus strand (C>T on the coding strand, the complement: BRD4 is on the minus strand). VCF-style: chr19-15238895-G-A. GRCh37 (hg19) VCF-style: chr19-15349706-G-A.
Other names: c.3868C>T, p.Arg1290Cys (NM_058243.3); short protein forms R1290C.
Identifiers: ClinVar variation 2138419 (VCV002138419.4), dbSNP rs767464916, ClinGen allele CA9264507.